The following is an entry in ClinVar:

NM_018834.6(MATR3):c.101A>G (p.Gln34Arg)

Gene: MATR3 (matrin 3; plus strand). Cytogenetic location: 5q31.2.
Variant type: single nucleotide variant.
Coding change: c.101A>G on transcript NM_018834.6 (MANE Select); coding-DNA position 101, A replaced by G.
Protein change: p.Gln34Arg; replaces glutamine 34 with arginine.
Molecular consequence: missense variant. On other transcripts: intron variant (11).
Genome position (GRCh38, 1-based): chr5:139,307,516, A>G. VCF-style: chr5-139307516-A-G. GRCh37 (hg19) VCF-style: chr5-138643205-A-G.
Other names: c.101A>G, p.Gln34Arg (NM_001194954.2, NM_001194955.2, NM_001400441.1 and 16 more transcripts); c.52-7159A>G (NM_001400459.1); c.-102-7159A>G (NM_001400463.1, NM_001400460.1, NM_001282278.2 and 3 more transcripts); c.-40-8181A>G (NM_001400462.1, NM_001400467.1); c.13-7159A>G (NM_001400461.1); c.49-7159A>G (NM_001194956.2); short protein forms Q34R.
Identifiers: ClinVar variation 4800745 (VCV004800745.1).

ClinVar aggregate classification (germline): Uncertain significance (1 of 4 stars; one submission).

Conditions:
Amyotrophic lateral sclerosis type 21. Also called: VOCAL CORD AND PHARYNGEAL DYSFUNCTION WITH DISTAL MYOPATHY; MYOPATHY, DISTAL, 2. Identifiers: Orphanet 600, Orphanet 803, MedGen C3807521, MONDO:0011632, OMIM 606070.

Submission:

Labcorp Genetics (formerly Invitae), Labcorp
Classification: Uncertain significance for Amyotrophic lateral sclerosis type 21. Last evaluated: 2025-06-11. Review status: criteria provided, single submitter. Criteria: Invitae Variant Classification Sherloc (09022015). Collection method: clinical testing. Allele origin: germline.
Comment: This sequence change replaces glutamine, which is neutral and polar, with arginine, which is basic and polar, at codon 34 of the MATR3 protein (p.Gln34Arg). This variant is not present in population databases (gnomAD no frequency). This variant has not been reported in the literature in individuals affected with MATR3-related conditions. Invitae Evidence Modeling of protein sequence and biophysical properties (such as structural, functional, and spatial information, amino acid conservation, physicochemical variation, residue mobility, and thermodynamic stability) indicates that this missense variant is expected to disrupt MATR3 protein function with a positive predictive value of 80%. In summary, the available evidence is currently insufficient to determine the role of this variant in disease. Therefore, it has been classified as a Variant of Uncertain Significance.